The following is an entry in ClinVar:

ClinVar aggregate classification (germline): Likely benign (1 of 4 stars; one submission).

Submission:

CeGaT Center for Human Genetics Tuebingen
Classification: Likely benign. Last evaluated: 2024-12-01. Review status: criteria provided, single submitter. Criteria: CeGaT Center For Human Genetics Tuebingen Variant Classification Criteria Version 2. Collection method: clinical testing. Allele origin: germline. Affected: yes. Observed: 1 variant allele.
Comment: HEPN1: PM2:Supporting, BP4, BP7

NM_001037558.4(HEPN1):c.15C>A (p.Gly5=)

Genes: HEPACAM (hepatic and glial cell adhesion molecule; minus strand), HEPN1 (hepatocellular carcinoma, down-regulated 1; plus strand). Cytogenetic location: 11q24.2.
Variant type: single nucleotide variant.
Coding change: c.15C>A on transcript NM_001037558.4 (MANE Select); coding-DNA position 15, C replaced by A.
Protein change: p.Gly5=; no amino-acid change (glycine 5 retained).
Molecular consequence: synonymous variant. On other transcripts: 3 prime UTR variant (2).
Genome position (GRCh38, 1-based): chr11:124,919,765, C>A. VCF-style: chr11-124919765-C-A. GRCh37 (hg19) VCF-style: chr11-124789661-C-A.
Other names: c.*1373G>T (NM_001411043.1, NM_152722.5).
Identifiers: ClinVar variation 3772046 (VCV003772046.13).